The following is an entry in ClinVar:

ClinVar aggregate classification (germline): Uncertain significance. Review status: criteria provided, multiple submitters, no conflicts (2 of 4 stars). 2 submissions from 2 submitters: Uncertain significance (2). Last evaluated 2025-09-17.

Submissions (2):

Dasa
Classification: Uncertain significance. Last evaluated: 2025-09-17. Review status: criteria provided, single submitter. Criteria: DASA Assertion Criteria. Collection method: clinical testing. Allele origin: germline.
Comment: NM_001375524.1(TRRAP):c.6928G>C (p.Glu2310Gln) is a missense variant that results in the substitution of glutamic acid with glutamine. This variant is rare in population databases. The currently available literature and clinical evidence are not sufficient to establish a definitive association between this variant and the reported condition. Therefore, this variant is classified as a variant of uncertain significance.

Labcorp Genetics (formerly Invitae), Labcorp
Classification: Uncertain significance. Last evaluated: 2025-09-03. Review status: criteria provided, single submitter. Criteria: Invitae Variant Classification Sherloc (09022015). Collection method: clinical testing. Allele origin: germline.
Comment: This sequence change replaces glutamic acid, which is acidic and polar, with glutamine, which is neutral and polar, at codon 2285 of the TRRAP protein (p.Glu2285Gln). This variant is not present in population databases (gnomAD no frequency). This variant has not been reported in the literature in individuals affected with TRRAP-related conditions. Invitae Evidence Modeling of protein sequence and biophysical properties (such as structural, functional, and spatial information, amino acid conservation, physicochemical variation, residue mobility, and thermodynamic stability) has been performed for this missense variant. However, the output from this modeling did not meet the statistical confidence thresholds required to predict the impact of this variant on TRRAP protein function. In summary, the available evidence is currently insufficient to determine the role of this variant in disease. Therefore, it has been classified as a Variant of Uncertain Significance.

NM_001375524.1(TRRAP):c.6928G>C (p.Glu2310Gln)

Gene: TRRAP (transformation/transcription domain associated protein; plus strand). Cytogenetic location: 7q22.1.
Variant type: single nucleotide variant.
Coding change: c.6928G>C on transcript NM_001375524.1 (MANE Select); coding-DNA position 6928, G replaced by C.
Protein change: p.Glu2310Gln; replaces glutamic acid 2310 with glutamine.
Molecular consequence: missense variant.
Genome position (GRCh38, 1-based): chr7:98,964,727, G>C. VCF-style: chr7-98964727-G-C. GRCh37 (hg19) VCF-style: chr7-98562350-G-C.
Other names: c.6907G>C, p.Glu2303Gln (NM_001244580.2); c.6853G>C, p.Glu2285Gln (NM_003496.4); short protein forms E2285Q, E2303Q, E2310Q.
Identifiers: ClinVar variation 4782110 (VCV004782110.3).